The following is an entry in ClinVar:

NM_014271.4(IL1RAPL1):c.695C>T (p.Thr232Ile)

Gene: IL1RAPL1 (interleukin 1 receptor accessory protein like 1; plus strand). Cytogenetic location: Xp21.2.
Variant type: single nucleotide variant.
Coding change: c.695C>T on transcript NM_014271.4 (MANE Select); coding-DNA position 695, C replaced by T.
Protein change: p.Thr232Ile; replaces threonine 232 with isoleucine.
Molecular consequence: missense variant.
Genome position (GRCh38, 1-based): chrX:29,399,300, C>T. VCF-style: chrX-29399300-C-T. GRCh37 (hg19) VCF-style: chrX-29417417-C-T.
Other names: short protein forms T232I.
Identifiers: ClinVar variation 2692901 (VCV002692901.3), dbSNP rs1337729037, ClinGen allele CA412632786.

ClinVar aggregate classification (germline): Uncertain significance (1 of 4 stars; one submission).

Allele frequency attached by ClinVar (database versions not stated): TOPMed below 0.00001.
gnomAD v4.1: 1 of 1,202,972 alleles (0.000083%); highest among the groups gnomAD compares: African/African-American, 0.0017%; no homozygotes.

Submission:

Labcorp Genetics (formerly Invitae), Labcorp
Classification: Uncertain significance. Last evaluated: 2024-05-08. Review status: criteria provided, single submitter. Criteria: Invitae Variant Classification Sherloc (09022015). Collection method: clinical testing. Allele origin: germline.
Comment: This sequence change replaces threonine, which is neutral and polar, with isoleucine, which is neutral and non-polar, at codon 232 of the IL1RAPL1 protein (p.Thr232Ile). This variant is present in population databases (no rsID available, gnomAD 0.008%). This variant has not been reported in the literature in individuals affected with IL1RAPL1-related conditions. An algorithm developed to predict the effect of missense changes on protein structure and function (PolyPhen-2) suggests that this variant is likely to be tolerated. In summary, the available evidence is currently insufficient to determine the role of this variant in disease. Therefore, it has been classified as a Variant of Uncertain Significance.